The following is an entry in ClinVar:

ClinVar aggregate classification (germline): Uncertain significance (1 of 4 stars; one submission).

Conditions:
Mucopolysaccharidosis, MPS-III-A (MPS3A). Also called: Mucopolysaccharidosis, type IIIA; mucopolysaccharidosis type 3A; MPS IIIA (Sanfilippo Syndrome Type A); HEPARAN SULFATE SULFATASE DEFICIENCY; Mucopolysaccharidosis type IIIA (Sanfilippo A); SANFILIPPO SYNDROME A. Identifiers: Orphanet 581, Orphanet 79269, MedGen C0086647, MONDO:0009655, OMIM 252900.

Allele frequency attached by ClinVar (database versions not stated): gnomAD exomes 0.00001 and below 0.00001.
gnomAD v4.1: 8 of 1,604,546 alleles (0.0005%); highest among the groups gnomAD compares: Middle Eastern, 0.033%; no homozygotes.

Submissions (2):

Labcorp Genetics (formerly Invitae), Labcorp
Classification: Uncertain significance for Mucopolysaccharidosis, MPS-III-A. Last evaluated: 2024-12-16. Review status: criteria provided, single submitter. Criteria: Invitae Variant Classification Sherloc (09022015). Collection method: clinical testing. Allele origin: germline.
Comment: This sequence change replaces asparagine, which is neutral and polar, with serine, which is neutral and polar, at codon 62 of the SGSH protein (p.Asn62Ser). The frequency data for this variant in the population databases is considered unreliable, as metrics indicate poor data quality at this position in the gnomAD database. This variant has not been reported in the literature in individuals affected with SGSH-related conditions. ClinVar contains an entry for this variant (Variation ID: 1377903). Invitae Evidence Modeling of protein sequence and biophysical properties (such as structural, functional, and spatial information, amino acid conservation, physicochemical variation, residue mobility, and thermodynamic stability) indicates that this missense variant is not expected to disrupt SGSH protein function with a negative predictive value of 80%. In summary, the available evidence is currently insufficient to determine the role of this variant in disease. Therefore, it has been classified as a Variant of Uncertain Significance.

Dr. Peter K. Rogan Lab, Western University
No classification provided (evidence only). Condition: Thyroid cancer, nonmedullary, 1. Review status: no classification provided. Collection method: in vitro. Allele origin: not applicable. Functional consequence: retained intron. Not counted in ClinVar's aggregate classification.

NM_000199.5(SGSH):c.185A>G (p.Asn62Ser)

Gene: SGSH (N-sulfoglucosamine sulfohydrolase; minus strand). Cytogenetic location: 17q25.3.
Variant type: single nucleotide variant.
Coding change: c.185A>G on transcript NM_000199.5 (MANE Select); coding-DNA position 185, A replaced by G.
Protein change: p.Asn62Ser; replaces asparagine 62 with serine.
Molecular consequence: missense variant. On other transcripts: non-coding transcript variant (1).
Genome position (GRCh38, 1-based): chr17:80,217,096, T>C on the plus strand (A>G on the coding strand, the complement: SGSH is on the minus strand). VCF-style: chr17-80217096-T-C. GRCh37 (hg19) VCF-style: chr17-78190895-T-C.
Other names: c.185A>G, p.Asn62Ser (NM_001352921.3, NM_001352922.2); short protein forms N62S.
Identifiers: ClinVar variation 1377903 (VCV001377903.8), dbSNP rs1396883948, ClinGen allele CA401364315.
Genomic context (GRCh38, chr17:80,217,096, plus strand): 5'-GGCAGGCCAGTGAGGAGGCTGGCGCGGCTGGGAGAGCAGCTGCTGACCGAGGTGAAGGCA[T>C]TGCGAAAGAGGAGGCTGCGGCGGGCCAAGGCGTCCAGGTGCGGGGTGGCGATGGCGCTGT-3'
Protein context (NP_000190.1, residues 52-72): ALARRSLLFR[Asn62Ser]AFTSVSSCSP